The following is an entry in ClinVar:

NM_001845.6(COL4A1):c.2980G>C (p.Asp994His)

Gene: COL4A1 (collagen type IV alpha 1 chain; minus strand). Cytogenetic location: 13q34.
Variant type: single nucleotide variant.
Coding change: c.2980G>C on transcript NM_001845.6 (MANE Select); coding-DNA position 2980, G replaced by C.
Protein change: p.Asp994His; replaces aspartic acid 994 with histidine.
Molecular consequence: missense variant.
Genome position (GRCh38, 1-based): chr13:110,176,502, C>G on the plus strand (G>C on the coding strand, the complement: COL4A1 is on the minus strand). VCF-style: chr13-110176502-C-G. GRCh37 (hg19) VCF-style: chr13-110828849-C-G.
Other names: short protein forms D994H.
Identifiers: ClinVar variation 1700700 (VCV001700700.2), dbSNP rs2139162404, ClinGen allele CA388665979.

ClinVar aggregate classification (germline): Uncertain significance (1 of 4 stars; one submission).

Submission:

Centre of Medical Genetics, University Hospital Muenster
Classification: Uncertain significance. Last evaluated: 2022-07-18. Review status: criteria provided, single submitter. Criteria: ACMG Guidelines, 2015. Collection method: clinical testing. Allele origin: unknown. Affected: yes. Observed: 1 variant allele, 1 heterozygote.
Comment: ACMG categories: PM2,PP3